The following is an entry in ClinVar:

NM_006361.6(HOXB13):c.67G>C (p.Gly23Arg)

Gene: HOXB13 (homeobox B13; minus strand). Cytogenetic location: 17q21.32.
Variant type: single nucleotide variant.
Coding change: c.67G>C on transcript NM_006361.6 (MANE Select); coding-DNA position 67, G replaced by C.
Protein change: p.Gly23Arg; replaces glycine 23 with arginine.
Molecular consequence: missense variant.
Genome position (GRCh38, 1-based): chr17:48,728,527, C>G on the plus strand (G>C on the coding strand, the complement: HOXB13 is on the minus strand). VCF-style: chr17-48728527-C-G. GRCh37 (hg19) VCF-style: chr17-46805889-C-G.
Other names: short protein forms G23R.
Identifiers: ClinVar variation 690945 (VCV000690945.7), dbSNP rs769323553, ClinGen allele CA400109619.

ClinVar aggregate classification (germline): Conflicting classifications of pathogenicity. Review status: criteria provided, conflicting classifications (1 of 4 stars). 3 submissions from 3 submitters: Uncertain significance (1); Likely benign (1). 1 of the submissions does not count toward it. Last evaluated 2026-01-01.

Conditions:
Prostate cancer, hereditary, 1 (HPC1). Identifiers: Orphanet 1331, MedGen C4722327, MONDO:0011098, OMIM 601518.
Hereditary cancer-predisposing syndrome. Also called: Neoplastic Syndromes, Hereditary; Tumor predisposition; Hereditary neoplastic syndrome; Hereditary Cancer Syndrome. Identifiers: Orphanet 140162, MedGen C0027672, MeSH D009386, MONDO:0015356.

Submissions (3):

Labcorp Genetics (formerly Invitae), Labcorp
Classification: Uncertain significance. Last evaluated: 2026-01-01. Review status: criteria provided, single submitter. Criteria: Invitae Variant Classification Sherloc (09022015). Collection method: clinical testing. Allele origin: germline.
Comment: This sequence change replaces glycine, which is neutral and non-polar, with arginine, which is basic and polar, at codon 23 of the HOXB13 protein (p.Gly23Arg). This variant is not present in population databases (gnomAD no frequency). This variant has not been reported in the literature in individuals affected with HOXB13-related conditions. ClinVar contains an entry for this variant (Variation ID: 690945). An algorithm developed to predict the effect of missense changes on protein structure and function (PolyPhen-2) suggests that this variant is likely to be disruptive. In summary, the available evidence is currently insufficient to determine the role of this variant in disease. Therefore, it has been classified as a Variant of Uncertain Significance.

Ambry Genetics
Classification: Likely benign for Hereditary cancer-predisposing syndrome. Last evaluated: 2025-07-31. Review status: criteria provided, single submitter. Criteria: Ambry Variant Classification Scheme 2023. Collection method: clinical testing. Allele origin: germline.

Laboratory of Virology, Microbiology,  Quality and Medical Biotechnologies, Faculty of Sciences and Techniques - Mohammedia, Hassan II University of Casablanca
Classification: Uncertain significance for Prostate cancer, hereditary, 1. Review status: no assertion criteria provided. Collection method: clinical testing. Allele origin: somatic. Affected: yes. Not counted in ClinVar's aggregate classification.